The following is an entry in ClinVar:

ClinVar aggregate classification (germline): Uncertain significance (1 of 4 stars; one submission).

gnomAD v4.1: 1 of 1,614,044 alleles (0.000062%); highest among the groups gnomAD compares: Admixed American, 0.0017%; no homozygotes.

Submission:

Labcorp Genetics (formerly Invitae), Labcorp
Classification: Uncertain significance. Last evaluated: 2025-10-22. Review status: criteria provided, single submitter. Criteria: Invitae Variant Classification Sherloc (09022015). Collection method: clinical testing. Allele origin: germline.
Comment: This sequence change replaces aspartic acid, which is acidic and polar, with glycine, which is neutral and non-polar, at codon 470 of the LYN protein (p.Asp470Gly). This variant is present in population databases (rs146791536, gnomAD 0.003%). This variant has not been reported in the literature in individuals affected with LYN-related conditions. An algorithm developed to predict the effect of missense changes on protein structure and function (PolyPhen-2) suggests that this variant is likely to be tolerated. Algorithms developed to predict the effect of sequence changes on RNA splicing suggest that this variant may create or strengthen a splice site. In summary, the available evidence is currently insufficient to determine the role of this variant in disease. Therefore, it has been classified as a Variant of Uncertain Significance.

NM_002350.4(LYN):c.1409A>G (p.Asp470Gly)

Gene: LYN (LYN proto-oncogene, Src family tyrosine kinase; plus strand). Cytogenetic location: 8q12.1.
Variant type: single nucleotide variant.
Coding change: c.1409A>G on transcript NM_002350.4 (MANE Select); coding-DNA position 1409, A replaced by G.
Protein change: p.Asp470Gly; replaces aspartic acid 470 with glycine.
Molecular consequence: missense variant.
Genome position (GRCh38, 1-based): chr8:56,009,980, A>G. VCF-style: chr8-56009980-A-G. GRCh37 (hg19) VCF-style: chr8-56922539-A-G.
Other names: c.1346A>G, p.Asp449Gly (NM_001111097.3); short protein forms D449G, D470G.
Identifiers: ClinVar variation 4774581 (VCV004774581.1).
Genomic context (GRCh38, chr8:56,009,980, plus strand): 5'-CCGACGTGATGACCGCCCTGTCCCAGGGCTACAGGATGCCCCGTGTGGAGAACTGCCCAG[A>G]TGAGCTCTATGACATTATGAAAATGTGCTGGAAAGAAAAGGCAGAAGAGAGACCAACGTT-3'
Protein context (NP_002341.1, residues 460-480): YRMPRVENCP[Asp470Gly]ELYDIMKMCW